The following is an entry in ClinVar:

NM_033409.4(SLC52A3):c.933C>T (p.Asn311=)

Gene: SLC52A3 (solute carrier family 52 member 3; minus strand). Cytogenetic location: 20p13.
Variant type: single nucleotide variant.
Coding change: c.933C>T on transcript NM_033409.4 (MANE Select); coding-DNA position 933, C replaced by T.
Protein change: p.Asn311=; no amino-acid change (asparagine 311 retained).
Molecular consequence: synonymous variant.
Genome position (GRCh38, 1-based): chr20:763,638, G>A on the plus strand (C>T on the coding strand, the complement: SLC52A3 is on the minus strand). VCF-style: chr20-763638-G-A. GRCh37 (hg19) VCF-style: chr20-744282-G-A.
Other names: c.933C>T, p.Asn311= (NM_001370085.1, NM_001370086.1).
Identifiers: ClinVar variation 476617 (VCV000476617.15), dbSNP rs534678154, ClinGen allele CA9724647.

ClinVar aggregate classification (germline): Likely benign. Review status: criteria provided, multiple submitters, no conflicts (2 of 4 stars). 3 submissions from 3 submitters: Likely benign (3). Last evaluated 2025-11-09.

Conditions:
SLC52A3-related disorder. Also called: SLC52A3-related condition.
Inborn genetic diseases. Identifiers: MedGen C0950123, MeSH D030342.
Brown-Vialetto-van Laere syndrome 1. Also called: BROWN-VIALETTO-VAN LAERE SYNDROME 1, MILD; BULBAR PALSY, PROGRESSIVE, WITH SENSORINEURAL DEAFNESS; PONTOBULBAR PALSY WITH DEAFNESS. Identifiers: Orphanet 572550, Orphanet 97229, MedGen C0796274, MONDO:0024537, OMIM 211530.

Allele frequency attached by ClinVar (database versions not stated): gnomAD 0.00009 and 0.00004; TOPMed 0.00010; gnomAD exomes 0.00012 and 0.00007; 1000 Genomes Project 0.00040; ExAC 0.00016; 1000 Genomes Project 30x 0.00031.
gnomAD v4.1: 127 of 1,614,198 alleles (0.0079%); highest among the groups gnomAD compares: South Asian, 0.096%; 1 homozygote.

Submissions (3):

Labcorp Genetics (formerly Invitae), Labcorp
Classification: Likely benign for Brown-Vialetto-van Laere syndrome 1. Last evaluated: 2025-11-09. Review status: criteria provided, single submitter. Criteria: Invitae Variant Classification Sherloc (09022015). Collection method: clinical testing. Allele origin: germline.

PreventionGenetics, part of Exact Sciences
Classification: Likely benign for SLC52A3-related condition. Last evaluated: 2025-07-15. Review status: criteria provided, single submitter. Criteria: ACMG Guidelines, 2015. Collection method: clinical testing. Allele origin: germline.
Comment: This variant is classified as likely benign based on ACMG/AMP sequence variant interpretation guidelines (Richards et al. 2015 PMID: 25741868, with internal and published modifications).

Ambry Genetics
Classification: Likely benign for Inborn genetic diseases. Last evaluated: 2019-07-11. Review status: criteria provided, single submitter. Criteria: Ambry Variant Classification Scheme 2023. Collection method: clinical testing. Allele origin: germline.